The following is an entry in ClinVar:

ClinVar aggregate classification (germline): Uncertain significance (1 of 4 stars; one submission).

Conditions:
Hereditary cancer-predisposing syndrome. Also called: Hereditary Cancer Syndrome; Hereditary neoplastic syndrome; Neoplastic Syndromes, Hereditary; Tumor predisposition. Identifiers: Orphanet 140162, MedGen C0027672, MeSH D009386, MONDO:0015356.

Allele frequency attached by ClinVar (database versions not stated): gnomAD exomes below 0.00001.
gnomAD v4.1: 3 of 1,613,542 alleles (0.00019%); highest among the groups gnomAD compares: Non-Finnish European, 0.00025%; no homozygotes.

Submission:

Ambry Genetics
Classification: Uncertain significance for Hereditary cancer-predisposing syndrome. Last evaluated: 2022-03-01. Review status: criteria provided, single submitter. Criteria: Ambry Variant Classification Scheme 2023. Collection method: clinical testing. Allele origin: germline.
Comment: The p.I1502V variant (also known as c.4504A>G), located in coding exon 30 of the SMARCA4 gene, results from an A to G substitution at nucleotide position 4504. The isoleucine at codon 1502 is replaced by valine, an amino acid with highly similar properties. This amino acid position is highly conserved in available vertebrate species. In addition, this alteration is predicted to be tolerated by in silico analysis. Missense and in-frame variants in SMARCA4 are known to cause neurodevelopmental disorders; however, such associations with rhabdoid tumor predisposition syndrome including small cell carcinoma of the ovary-hypercalcemic type (SCCOHT) are exceedingly rare (Kosho T et al. Am J Med Genet C Semin Med Genet. 2014 Sep;166C(3):262-75; Jelinic P et al. Nat Genet. 2014 May;46(5):424-6). Based on the supporting evidence, the association of this alteration with Coffin-Siris syndrome is unknown; however, the association of this alteration with rhabdoid tumor predisposition syndrome is unlikely.

NM_003072.5(SMARCA4):c.4408A>G (p.Ile1470Val)

Gene: SMARCA4 (SWI/SNF related BAF chromatin remodeling complex subunit ATPase 4; plus strand). Cytogenetic location: 19p13.2.
Variant type: single nucleotide variant.
Coding change: c.4408A>G on transcript NM_003072.5 (MANE Select); coding-DNA position 4408, A replaced by G.
Protein change: p.Ile1470Val; replaces isoleucine 1470 with valine.
Molecular consequence: missense variant. On other transcripts: non-coding transcript variant (1).
Genome position (GRCh38, 1-based): chr19:11,041,544, A>G. VCF-style: chr19-11041544-A-G. GRCh37 (hg19) VCF-style: chr19-11152220-A-G.
Other names: c.4408A>G, p.Ile1470Val (NM_001128844.3); c.4318A>G, p.Ile1440Val (NM_001128845.2, NM_001128846.2); c.4309A>G, p.Ile1437Val (NM_001128847.4, NM_001128848.2, NM_001374457.1); c.4504A>G, p.Ile1502Val (NM_001128849.3, NM_001387283.1); c.4405A>G, p.Ile1469Val (NM_001411150.1); short protein forms I1469V, I1502V, I1437V, I1440V, I1470V.
Identifiers: ClinVar variation 1741067 (VCV001741067.2), dbSNP rs2146823151, ClinGen allele CA404074182.
Genomic context (GRCh38, chr19:11,041,544, plus strand): 5'-AAACTCTCCCCTAACCCACCCAACCTCACCAAGAAGATGAAGAAGATTGTGGATGCCGTG[A>G]TCAAGTACAAGGACAGGTAAGCGAGGAGGCGGGGAGGGCGGGGGCTGTAGGGGTCCCCGT-3'
Protein context (NP_003063.2, residues 1460-1480): KKMKKIVDAV[Ile1470Val]KYKDSSSGRQ